The following is an entry in ClinVar:

NM_000824.5(GLRB):c.59C>T (p.Ala20Val)

Gene: GLRB (glycine receptor beta; plus strand). Cytogenetic location: 4q32.1.
Variant type: single nucleotide variant.
Coding change: c.59C>T on transcript NM_000824.5 (MANE Select); coding-DNA position 59, C replaced by T.
Protein change: p.Ala20Val; replaces alanine 20 with valine.
Molecular consequence: missense variant.
Genome position (GRCh38, 1-based): chr4:157,078,083, C>T. VCF-style: chr4-157078083-C-T. GRCh37 (hg19) VCF-style: chr4-157999235-C-T.
Other names: c.59C>T, p.Ala20Val (NM_001166060.2, NM_001166061.2); short protein forms A20V.
Identifiers: ClinVar variation 1427249 (VCV001427249.8), dbSNP rs2126408955, ClinGen allele CA358640970.

ClinVar aggregate classification (germline): Uncertain significance (1 of 4 stars; one submission).

Conditions:
Hyperekplexia 2 (HKPX2). Identifiers: Orphanet 3197, MedGen C3553291, MONDO:0013828, OMIM 614619.

gnomAD v4.1: 1 of 1,608,344 alleles (0.000062%); highest among the groups gnomAD compares: East Asian, 0.0022%; no homozygotes.

Submission:

Labcorp Genetics (formerly Invitae), Labcorp
Classification: Uncertain significance for Hyperekplexia 2. Last evaluated: 2021-05-12. Review status: criteria provided, single submitter. Criteria: Invitae Variant Classification Sherloc (09022015). Collection method: clinical testing. Allele origin: germline.
Comment: This sequence change replaces alanine with valine at codon 20 of the GLRB protein (p.Ala20Val). The alanine residue is moderately conserved and there is a small physicochemical difference between alanine and valine. In summary, the available evidence is currently insufficient to determine the role of this variant in disease. Therefore, it has been classified as a Variant of Uncertain Significance. Advanced modeling of protein sequence and biophysical properties (such as structural, functional, and spatial information, amino acid conservation, physicochemical variation, residue mobility, and thermodynamic stability) performed at Invitae indicates that this missense variant is not expected to disrupt GLRB protein function. This variant has not been reported in the literature in individuals with GLRB-related conditions. This variant is not present in population databases (ExAC no frequency).